The following is an entry in ClinVar:

NM_005876.5(SPEG):c.2429C>T (p.Thr810Ile)

Gene: SPEG (striated muscle enriched protein kinase; plus strand). Cytogenetic location: 2q35.
Variant type: single nucleotide variant.
Coding change: c.2429C>T on transcript NM_005876.5 (MANE Select); coding-DNA position 2429, C replaced by T.
Protein change: p.Thr810Ile; replaces threonine 810 with isoleucine.
Molecular consequence: missense variant.
Genome position (GRCh38, 1-based): chr2:219,451,796, C>T. VCF-style: chr2-219451796-C-T. GRCh37 (hg19) VCF-style: chr2-220316518-C-T.
Other names: c.2429C>T (NM_005876.4); short protein forms T810I.
Identifiers: ClinVar variation 1373369 (VCV001373369.6), dbSNP rs367597799, ClinGen allele CA2125827.

ClinVar aggregate classification (germline): Uncertain significance. Review status: criteria provided, multiple submitters, no conflicts (2 of 4 stars). 2 submissions from 2 submitters: Uncertain significance (2). Last evaluated 2023-06-28.

Conditions:
Inborn genetic diseases. Identifiers: MedGen C0950123, MeSH D030342.

Allele frequency attached by ClinVar (database versions not stated): gnomAD exomes 0.00004 and 0.00009; gnomAD 0.00008; TOPMed 0.00008; ESP Exome Variant Server 0.00017; ExAC 0.00037.

Submissions (2):

Ambry Genetics
Classification: Uncertain significance for Inborn genetic diseases. Last evaluated: 2023-06-28. Review status: criteria provided, single submitter. Criteria: Ambry Variant Classification Scheme 2023. Collection method: clinical testing. Allele origin: germline.

Labcorp Genetics (formerly Invitae), Labcorp
Classification: Uncertain significance. Last evaluated: 2022-04-05. Review status: criteria provided, single submitter. Criteria: Invitae Variant Classification Sherloc (09022015). Collection method: clinical testing. Allele origin: germline.
Comment: Algorithms developed to predict the effect of missense changes on protein structure and function (SIFT, PolyPhen-2, Align-GVGD) all suggest that this variant is likely to be tolerated. This variant has not been reported in the literature in individuals affected with SPEG-related conditions. This variant is present in population databases (rs367597799, gnomAD 0.1%). This sequence change replaces threonine, which is neutral and polar, with isoleucine, which is neutral and non-polar, at codon 810 of the SPEG protein (p.Thr810Ile). In summary, the available evidence is currently insufficient to determine the role of this variant in disease. Therefore, it has been classified as a Variant of Uncertain Significance.